The following is an entry in ClinVar:

ClinVar aggregate classification (germline): Uncertain significance (1 of 4 stars; one submission).

Submission:

Dasa
Classification: Uncertain significance. Last evaluated: 2024-10-28. Review status: criteria provided, single submitter. Criteria: DASA Assertion Criteria. Collection method: clinical testing. Allele origin: germline.
Comment: NM_000214.3(JAG1):c.3626_3650del (p.Gln1209Profs*15) is a frameshift variant in JAG1 predicted to alter the reading frame and introduce a premature termination codon and is predicted to result in an absent or altered protein product. Loss of function is an established disease mechanism for JAG1 (PMID: 9585603; PMID: 12497640; PMID: 16575836). Also, this variant is absent from population databases. The currently available literature and clinical evidence are not sufficient to establish a definitive association between this variant and the reported condition. Therefore, this variant is classified as a variant of uncertain significance.

Literature cited by the submitters: PubMed 9585603; PubMed 12497640; PubMed 16575836.

NM_000214.3(JAG1):c.3626_3650del (p.Gln1209fs)

Gene: JAG1 (jagged canonical Notch ligand 1; minus strand). Cytogenetic location: 20p12.2.
Variant type: Deletion.
Coding change: c.3626_3650del on transcript NM_000214.3 (MANE Select); coding-DNA positions 3626 to 3650, 25 bases deleted (AGAGCTTAAACCGAATGGAGTACAT).
Protein change: p.Gln1209fs; shifts the reading frame from glutamine 1209.
Molecular consequence: frameshift variant.
Genome position (GRCh38, 1-based): chr20:10,639,505-10,639,529, ATGTACTCCATTCGGTTTAAGCTCT deleted on the plus strand (AGAGCTTAAACCGAATGGAGTACAT on the coding strand, the reverse complement: JAG1 is on the minus strand). VCF-style (leftmost placement, unchanged base first): chr20-10639504-GATGTACTCCATTCGGTTTAAGCTCT-G. GRCh37 (hg19) VCF-style: chr20-10620152-GATGTACTCCATTCGGTTTAAGCTCT-G.
Other names: short protein forms Q1209fs.
Identifiers: ClinVar variation 4884141 (VCV004884141.2).
Genomic context (GRCh38, chr20:10,639,504, plus strand): 5'-TAAAGAACTACAAGCCCTCAGACTCTACCTAGCGGCGGCAGTGCCCGCGGTCTGCTATAC[GATGTACTCCATTCGGTTTAAGCTCT>G]GGGCACTTTCCAAGTCTCTGTTGTCCTGTTTGTTTGTCCAGTTTGGGTGTTTTGTCGGCG-3'